The following is an entry in ClinVar:

ClinVar aggregate classification (germline): Uncertain significance. Review status: criteria provided, multiple submitters, no conflicts (2 of 4 stars). 2 submissions from 2 submitters: Uncertain significance (2). Last evaluated 2024-10-28.

Conditions:
TH-deficient dopa-responsive dystonia. Also called: Tyrosine Hydroxylase-Deficient Dopa-Responsive Dystonia; Segawa syndrome, autosomal recessive; DYT-TH. Identifiers: Orphanet 101150, MedGen C2673535, MONDO:0011551, OMIM 605407.

Allele frequency attached by ClinVar (database versions not stated): gnomAD 0.00001; ExAC 0.00002; gnomAD exomes 0.00003 and 0.00005; TOPMed 0.00003.

Submissions (2):

Labcorp Genetics (formerly Invitae), Labcorp
Classification: Uncertain significance for TH-deficient dopa-responsive dystonia. Last evaluated: 2024-10-28. Review status: criteria provided, single submitter. Criteria: Invitae Variant Classification Sherloc (09022015). Collection method: clinical testing. Allele origin: germline.
Comment: This sequence change replaces glutamic acid, which is acidic and polar, with glycine, which is neutral and non-polar, at codon 184 of the TH protein (p.Glu184Gly). This variant is present in population databases (rs766666741, gnomAD 0.03%). This variant has not been reported in the literature in individuals affected with TH-related conditions. ClinVar contains an entry for this variant (Variation ID: 1313540). Invitae Evidence Modeling of protein sequence and biophysical properties (such as structural, functional, and spatial information, amino acid conservation, physicochemical variation, residue mobility, and thermodynamic stability) has been performed for this missense variant. However, the output from this modeling did not meet the statistical confidence thresholds required to predict the impact of this variant on TH protein function. In summary, the available evidence is currently insufficient to determine the role of this variant in disease. Therefore, it has been classified as a Variant of Uncertain Significance.

GeneDx
Classification: Uncertain significance. Last evaluated: 2020-10-20. Review status: criteria provided, single submitter. Criteria: GeneDx Variant Classification Process June 2021. Collection method: clinical testing. Allele origin: germline. Affected: yes.
Comment: In silico analysis supports that this missense variant does not alter protein structure/function; Has not been previously published as pathogenic or benign to our knowledge

NM_000360.4(TH):c.458A>G (p.Glu153Gly)

Gene: TH (tyrosine hydroxylase; minus strand). Cytogenetic location: 11p15.5.
Variant type: single nucleotide variant.
Coding change: c.458A>G on transcript NM_000360.4 (MANE Select); coding-DNA position 458, A replaced by G.
Protein change: p.Glu153Gly; replaces glutamic acid 153 with glycine.
Molecular consequence: missense variant.
Genome position (GRCh38, 1-based): chr11:2,168,520, T>C on the plus strand (A>G on the coding strand, the complement: TH is on the minus strand). VCF-style: chr11-2168520-T-C. GRCh37 (hg19) VCF-style: chr11-2189750-T-C.
Other names: c.551A>G, p.Glu184Gly (NM_199292.3); c.539A>G, p.Glu180Gly (NM_199293.3); short protein forms E153G, E180G, E184G.
Identifiers: ClinVar variation 1313540 (VCV001313540.4), dbSNP rs766666741, ClinGen allele CA5818659.